The following is an entry in ClinVar:

ClinVar aggregate classification (germline): Uncertain significance (1 of 4 stars; one submission).

Allele frequency attached by ClinVar (database versions not stated): TOPMed below 0.00001; gnomAD 0.00001.
gnomAD v4.1: 1 of 1,614,018 alleles (0.000062%); highest among the groups gnomAD compares: African/African-American, 0.0013%; no homozygotes.

Submission:

Labcorp Genetics (formerly Invitae), Labcorp
Classification: Uncertain significance. Last evaluated: 2023-10-28. Review status: criteria provided, single submitter. Criteria: Invitae Variant Classification Sherloc (09022015). Collection method: clinical testing. Allele origin: germline.
Comment: This sequence change replaces asparagine, which is neutral and polar, with aspartic acid, which is acidic and polar, at codon 486 of the RFWD3 protein (p.Asn486Asp). This variant is not present in population databases (gnomAD no frequency). This variant has not been reported in the literature in individuals affected with RFWD3-related conditions. Algorithms developed to predict the effect of missense changes on protein structure and function output the following: SIFT: "Not Available"; PolyPhen-2: "Benign"; Align-GVGD: "Not Available". The aspartic acid amino acid residue is found in multiple mammalian species, which suggests that this missense change does not adversely affect protein function. In summary, the available evidence is currently insufficient to determine the role of this variant in disease. Therefore, it has been classified as a Variant of Uncertain Significance.

NM_018124.4(RFWD3):c.1456A>G (p.Asn486Asp)

Gene: RFWD3 (ring finger and WD repeat domain 3; minus strand). Cytogenetic location: 16q23.1.
Variant type: single nucleotide variant.
Coding change: c.1456A>G on transcript NM_018124.4 (MANE Select); coding-DNA position 1456, A replaced by G.
Protein change: p.Asn486Asp; replaces asparagine 486 with aspartic acid.
Molecular consequence: missense variant.
Genome position (GRCh38, 1-based): chr16:74,632,644, T>C on the plus strand (A>G on the coding strand, the complement: RFWD3 is on the minus strand). VCF-style: chr16-74632644-T-C. GRCh37 (hg19) VCF-style: chr16-74666542-T-C.
Other names: c.1456A>G, p.Asn486Asp (NM_001370534.1, NM_001370535.1, NM_001370536.1); c.622A>G, p.Asn208Asp (NM_001370537.1, NM_001370539.1, NM_001370540.1 and 3 more transcripts); short protein forms N486D, N208D.
Identifiers: ClinVar variation 2796241 (VCV002796241.3), dbSNP rs1959137565, ClinGen allele CA396760758.